The following is an entry in ClinVar:

ClinVar aggregate classification (germline): Uncertain significance (1 of 4 stars; one submission).

Conditions:
Inborn genetic diseases. Identifiers: MedGen C0950123, MeSH D030342.

Allele frequency attached by ClinVar (database versions not stated): TOPMed below 0.00001; gnomAD exomes 0.00001.
gnomAD v4.1: 3 of 1,610,248 alleles (0.00019%); highest among the groups gnomAD compares: Non-Finnish European, 0.00025%; no homozygotes.

Submission:

Ambry Genetics
Classification: Uncertain significance for Inborn genetic diseases. Last evaluated: 2023-05-29. Review status: criteria provided, single submitter. Criteria: Ambry Variant Classification Scheme 2023. Collection method: clinical testing. Allele origin: germline.
Comment: The p.P22L variant (also known as c.65C>T), located in coding exon 1 of the MIB1 gene, results from a C to T substitution at nucleotide position 65. The proline at codon 22 is replaced by leucine, an amino acid with similar properties. This amino acid position is conserved. In addition, this alteration is predicted to be tolerated by in silico analysis. Since supporting evidence is limited at this time, the clinical significance of this alteration remains unclear.

NM_020774.4(MIB1):c.65C>T (p.Pro22Leu)

Gene: MIB1 (MIB E3 ubiquitin protein ligase 1; plus strand). Cytogenetic location: 18q11.2.
Variant type: single nucleotide variant.
Coding change: c.65C>T on transcript NM_020774.4 (MANE Select); coding-DNA position 65, C replaced by T.
Protein change: p.Pro22Leu; replaces proline 22 with leucine.
Molecular consequence: missense variant.
Genome position (GRCh38, 1-based): chr18:21,741,648, C>T. VCF-style: chr18-21741648-C-T. GRCh37 (hg19) VCF-style: chr18-19321609-C-T.
Other names: short protein forms P22L.
Identifiers: ClinVar variation 2563676 (VCV002563676.2), dbSNP rs1470742985, ClinGen allele CA401752919.
Genomic context (GRCh38, chr18:21,741,648, plus strand): 5'-GTAACTCCCGGAATAACCGGGTGATGGTGGAAGGGGTTGGCGCTCGGGTAGTGCGCGGCC[C>T]GGACTGGAAGTGGGGGAAGCAGGACGGCGGCGAGGGCCATGTGGGCACCGTCCGGAGCTT-3'
Protein context (NP_065825.1, residues 12-32): EGVGARVVRG[Pro22Leu]DWKWGKQDGG